The following is an entry in ClinVar:

NM_001034850.3(RETREG1):c.331T>G (p.Leu111Val)

Gene: RETREG1 (reticulophagy regulator 1; minus strand). Cytogenetic location: 5p15.1.
Variant type: single nucleotide variant.
Coding change: c.331T>G on transcript NM_001034850.3 (MANE Select); coding-DNA position 331, T replaced by G.
Protein change: p.Leu111Val; replaces leucine 111 with valine.
Molecular consequence: missense variant.
Genome position (GRCh38, 1-based): chr5:16,572,092, A>C on the plus strand (T>G on the coding strand, the complement: RETREG1 is on the minus strand). VCF-style: chr5-16572092-A-C. GRCh37 (hg19) VCF-style: chr5-16572201-A-C.
Other names: short protein forms L111V.
Identifiers: ClinVar variation 1799883 (VCV001799883.2), dbSNP rs2477712742, ClinGen allele CA359292525.

ClinVar aggregate classification (germline): Uncertain significance (1 of 4 stars; one submission).

Conditions:
Inborn genetic diseases. Identifiers: MedGen C0950123, MeSH D030342.

Submission:

Ambry Genetics
Classification: Uncertain significance for Inborn genetic diseases. Last evaluated: 2021-03-30. Review status: criteria provided, single submitter. Criteria: Ambry Variant Classification Scheme 2023. Collection method: clinical testing. Allele origin: germline.
Comment: The p.L111V variant (also known as c.331T>G), located in coding exon 2 of the FAM134B gene, results from a T to G substitution at nucleotide position 331. The leucine at codon 111 is replaced by valine, an amino acid with highly similar properties. This amino acid position is highly conserved in available vertebrate species. In addition, this alteration is predicted to be tolerated by in silico analysis. Since supporting evidence is limited at this time, the clinical significance of this alteration remains unclear.